The following is an entry in ClinVar:

NM_000038.6(APC):c.6121G>C (p.Glu2041Gln)

Gene: APC (APC regulator of Wnt signaling pathway; plus strand). Cytogenetic location: 5q22.2.
Variant type: single nucleotide variant.
Coding change: c.6121G>C on transcript NM_000038.6 (MANE Select); coding-DNA position 6121, G replaced by C.
Protein change: p.Glu2041Gln; replaces glutamic acid 2041 with glutamine.
Molecular consequence: missense variant.
Genome position (GRCh38, 1-based): chr5:112,841,715, G>C. VCF-style: chr5-112841715-G-C. GRCh37 (hg19) VCF-style: chr5-112177412-G-C.
Other names: c.6121G>C, p.Glu2041Gln (NM_001127510.3, NM_001354895.2); c.6067G>C, p.Glu2023Gln (NM_001127511.3); c.6175G>C, p.Glu2059Gln (NM_001354896.2); c.6151G>C, p.Glu2051Gln (NM_001354897.2); c.6046G>C, p.Glu2016Gln (NM_001354898.2); c.6037G>C, p.Glu2013Gln (NM_001354899.2); c.5998G>C, p.Glu2000Gln (NM_001354900.2); c.5944G>C, p.Glu1982Gln (NM_001354901.2); and 5 more; short protein forms E2023Q, E2041Q, E1982Q, E2059Q, E1758Q, E1915Q, E1950Q, E2051Q.
Identifiers: ClinVar variation 629790 (VCV000629790.13), dbSNP rs1561605162, ClinGen allele CA16034731.

ClinVar aggregate classification (germline): Uncertain significance. Review status: criteria provided, multiple submitters, no conflicts (2 of 4 stars). 2 submissions from 2 submitters: Uncertain significance (2). Last evaluated 2024-02-22.

Conditions:
Hereditary cancer-predisposing syndrome. Also called: Neoplastic Syndromes, Hereditary; Tumor predisposition; Hereditary neoplastic syndrome; Hereditary Cancer Syndrome. Identifiers: Orphanet 140162, MedGen C0027672, MeSH D009386, MONDO:0015356.
Familial adenomatous polyposis 1 (FAP1). Also called: POLYPOSIS, ADENOMATOUS INTESTINAL; FAMILIAL ADENOMATOUS POLYPOSIS 1, ATTENUATED. Identifiers: MedGen C2713442, MONDO:0021056, OMIM 175100. Disease mechanism: loss of function.

Submissions (2):

Labcorp Genetics (formerly Invitae), Labcorp
Classification: Uncertain significance for Familial adenomatous polyposis 1. Last evaluated: 2024-02-22. Review status: criteria provided, single submitter. Criteria: Invitae Variant Classification Sherloc (09022015). Collection method: clinical testing. Allele origin: germline.
Comment: This sequence change replaces glutamic acid, which is acidic and polar, with glutamine, which is neutral and polar, at codon 2041 of the APC protein (p.Glu2041Gln). This variant is not present in population databases (gnomAD no frequency). This variant has not been reported in the literature in individuals affected with APC-related conditions. ClinVar contains an entry for this variant (Variation ID: 629790). Advanced modeling of protein sequence and biophysical properties (such as structural, functional, and spatial information, amino acid conservation, physicochemical variation, residue mobility, and thermodynamic stability) performed at Invitae indicates that this missense variant is not expected to disrupt APC protein function with a negative predictive value of 95%. In summary, the available evidence is currently insufficient to determine the role of this variant in disease. Therefore, it has been classified as a Variant of Uncertain Significance.

Color Diagnostics, LLC DBA Color Health
Classification: Uncertain significance for Hereditary cancer-predisposing syndrome. Last evaluated: 2023-12-04. Review status: criteria provided, single submitter. Criteria: ACMG Guidelines, 2015. Collection method: clinical testing. Allele origin: germline.
Comment: This missense variant replaces glutamic acid with glutamine at codon 2041 of the APC protein. Computational prediction is inconclusive regarding the impact of this variant on protein structure and function (internally defined REVEL score threshold 0.5 < inconclusive < 0.7, PMID: 27666373). To our knowledge, functional studies have not been reported for this variant. This variant has not been reported in individuals affected with APC-related disorders in the literature. This variant has not been identified in the general population by the Genome Aggregation Database (gnomAD). The available evidence is insufficient to determine the role of this variant in disease conclusively. Therefore, this variant is classified as a Variant of Uncertain Significance.